The following is an entry in ClinVar:

NM_080425.4(GNAS):c.195C>A (p.Gly65=)

Gene: GNAS (GNAS complex locus; plus strand). Cytogenetic location: 20q13.32.
Variant type: single nucleotide variant.
Coding change: c.195C>A on transcript NM_080425.4 (MANE Plus Clinical); coding-DNA position 195, C replaced by A.
Protein change: p.Gly65=; no amino-acid change (glycine 65 retained).
Molecular consequence: synonymous variant. On other transcripts: missense variant (2), intron variant (3).
Genome position (GRCh38, 1-based): chr20:58,853,460, C>A. VCF-style: chr20-58853460-C-A. GRCh37 (hg19) VCF-style: chr20-57428515-C-A.
Other names: c.8C>A, p.Ala3Glu (NM_001077490.3, NM_001309883.1); c.195C>A, p.Gly65= (NM_001410913.1); c.*42+12574C>A (NM_016592.5); c.43+12574C>A (NM_001410912.1); c.-39+11585C>A (NM_001309861.2); short protein forms A3E.
Identifiers: ClinVar variation 770304 (VCV000770304.7), dbSNP rs750264533, ClinGen allele CA9926435.
Genomic context (GRCh38, chr20:58,853,460, plus strand): 5'-AGCCGAAGAGATGGAGACCGAACCGCCTCACAACGAGCCCATCCCCGTCGAGAATGATGG[C>A]GAGGCCTGTGGACCCCCAGAGGTCTCCAGACCCAACTTTCAGGTCCTCAACCCGGCATTC-3'
Protein context (NP_536350.2, residues 55-75): HNEPIPVEND[Gly65=]EACGPPEVSR

ClinVar aggregate classification (germline): Likely benign. Review status: criteria provided, single submitter (1 of 4 stars). 2 submissions from 2 submitters: Likely benign (1). 1 of the submissions does not count toward it. Last evaluated 2018-07-30.

Conditions:
GNAS-related disorder. Identifiers: MedGen CN380105.

Allele frequency attached by ClinVar (database versions not stated): ExAC 0.00018.
gnomAD v4.1: 30 of 1,611,824 alleles (0.0019%); highest among the groups gnomAD compares: Admixed American, 0.05%; 1 homozygote.

Submissions (2):

Labcorp Genetics (formerly Invitae), Labcorp
Classification: Likely benign. Last evaluated: 2018-07-30. Review status: criteria provided, single submitter. Criteria: Invitae Variant Classification Sherloc (09022015). Collection method: clinical testing. Allele origin: germline.

PreventionGenetics, part of Exact Sciences
Classification: Likely benign for GNAS-related condition. Last evaluated: 2022-06-15. Review status: no assertion criteria provided. Collection method: clinical testing. Allele origin: germline. Not counted in ClinVar's aggregate classification.
Comment: This variant is classified as likely benign based on ACMG/AMP sequence variant interpretation guidelines (Richards et al. 2015 PMID: 25741868, with internal and published modifications).